The following is an entry in ClinVar:

ClinVar aggregate classification (germline): Benign (1 of 4 stars; one submission).

Conditions:
Lynch syndrome 4 (LYNCH4). Also called: Colorectal cancer, hereditary nonpolyposis, type 4; Hereditary non-polyposis colorectal cancer, type 4. Identifiers: Orphanet 144, MedGen C1838333, MONDO:0013699, OMIM 614337. Disease mechanism: loss of function.

Submission:

Myriad Genetics, Inc.
Classification: Benign for Lynch syndrome 4. Last evaluated: 2025-01-31. Review status: criteria provided, single submitter. Criteria: Myriad Autosomal Dominant, Autosomal Recessive and X-Linked Classification Criteria (2023). Collection method: clinical testing. Allele origin: unknown.
Comment: This variant is considered benign. This variant is a silent/synonymous amino acid change and it is not expected to impact splicing.

NM_000535.7(PMS2):c.1824T>C (p.Ala608=)

Gene: PMS2 (PMS1 homolog 2, mismatch repair system component; minus strand). Cytogenetic location: 7p22.1.
Variant type: single nucleotide variant.
Coding change: c.1824T>C on transcript NM_000535.7 (MANE Select); coding-DNA position 1824, T replaced by C.
Protein change: p.Ala608=; no amino-acid change (alanine 608 retained).
Molecular consequence: synonymous variant. On other transcripts: non-coding transcript variant (1), intron variant (1).
Genome position (GRCh38, 1-based): chr7:5,986,941, A>G on the plus strand (T>C on the coding strand, the complement: PMS2 is on the minus strand). VCF-style: chr7-5986941-A-G. GRCh37 (hg19) VCF-style: chr7-6026572-A-G.
Other names: c.1419T>C, p.Ala473= (NM_001322003.2, NM_001322004.2, NM_001322005.2 and 16 more transcripts); c.1668T>C, p.Ala556= (NM_001322006.2, NM_001406870.1); c.1506T>C, p.Ala502= (NM_001322007.2, NM_001322008.2, NM_001406876.1 and 2 more transcripts); c.1263T>C, p.Ala421= (NM_001322010.2, NM_001406906.1, NM_001406907.1); c.891T>C, p.Ala297= (NM_001322011.2, NM_001322012.2); c.1251T>C, p.Ala417= (NM_001322013.2, NM_001406909.1); c.1824T>C, p.Ala608= (NM_001322014.2, NM_001406871.1, NM_001406872.1); c.1515T>C, p.Ala505= (NM_001322015.2, NM_001406875.1, NM_001406877.1 and 5 more transcripts); and 13 more.
Identifiers: ClinVar variation 3903473 (VCV003903473.1).